The following is an entry in ClinVar:

ClinVar aggregate classification (germline): Pathogenic (1 of 4 stars; one submission).

Conditions:
Nemaline myopathy 2 (NEM2). Also called: Nemaline myopathy 2, autosomal recessive. Identifiers: MedGen C1850569, MONDO:0009725, OMIM 256030.

Submission:

Labcorp Genetics (formerly Invitae), Labcorp
Classification: Pathogenic for Nemaline myopathy 2. Last evaluated: 2022-11-18. Review status: criteria provided, single submitter. Criteria: Invitae Variant Classification Sherloc (09022015). Collection method: clinical testing. Allele origin: germline.
Comment: This variant is not present in population databases (gnomAD no frequency). This sequence change affects a donor splice site in intron 73 of the NEB gene. It is expected to disrupt RNA splicing. Variants that disrupt the donor or acceptor splice site typically lead to a loss of protein function (PMID: 16199547), and loss-of-function variants in NEB are known to be pathogenic (PMID: 25205138). Disruption of this splice site has been observed in individual(s) with congenital nemaline myopathy and/or fetal akinesia deformation sequence/lethal multiple pterygium syndrome (PMID: 25740301, 28336317). Algorithms developed to predict the effect of sequence changes on RNA splicing suggest that this variant may disrupt the consensus splice site. For these reasons, this variant has been classified as Pathogenic.

Literature cited by the submitters: PubMed 16199547; PubMed 25205138; PubMed 25740301; PubMed 28336317.

NM_001164508.2(NEB):c.10872+2T>A

Gene: NEB (nebulin; minus strand). Cytogenetic location: 2q23.3.
Variant type: single nucleotide variant.
Coding change: c.10872+2T>A on transcript NM_001164508.2 (MANE Select); the canonical splice donor site of the intron after coding-DNA position 10872, T replaced by A.
Molecular consequence: splice donor variant.
Genome position (GRCh38, 1-based): chr2:151,619,449, A>T on the plus strand (T>A on the coding strand, the complement: NEB is on the minus strand). VCF-style: chr2-151619449-A-T. GRCh37 (hg19) VCF-style: chr2-152475963-A-T.
Other names: c.10143+2T>A (NM_004543.5); c.10872+2T>A (NM_001164507.2, NM_001271208.2).
Identifiers: ClinVar variation 2815024 (VCV002815024.3), dbSNP rs2098330100, ClinGen allele CA348787367.